The following is an entry in ClinVar:

NM_000346.4(SOX9):c.1320C>A (p.Tyr440Ter)

Gene: SOX9 (SRY-box transcription factor 9; plus strand). Cytogenetic location: 17q24.3.
Variant type: single nucleotide variant.
Coding change: c.1320C>A on transcript NM_000346.4 (MANE Select); coding-DNA position 1320, C replaced by A.
Protein change: p.Tyr440Ter; replaces tyrosine 440 with a stop codon.
Molecular consequence: nonsense.
Genome position (GRCh38, 1-based): chr17:72,124,177, C>A. VCF-style: chr17-72124177-C-A. GRCh37 (hg19) VCF-style: chr17-70120318-C-A.
Other names: short protein forms Y440*.
Identifiers: ClinVar variation 21163 (VCV000021163.7), dbSNP rs80338688, ClinGen allele CA341683.

ClinVar aggregate classification (germline): Pathogenic. Review status: criteria provided, multiple submitters, no conflicts (2 of 4 stars). 3 submissions from 3 submitters: Pathogenic (2). 1 of the submissions does not count toward it. Last evaluated 2025-09-09.

Conditions:
Camptomelic dysplasia (CMPD). Also called: Campomelic Dysplasia; CMPD1/SRA1. Identifiers: Orphanet 140, MedGen C1861922, MONDO:0007251, OMIM 114290.

Submissions (3):

Labcorp Genetics (formerly Invitae), Labcorp
Classification: Pathogenic for Camptomelic dysplasia. Last evaluated: 2025-09-09. Review status: criteria provided, single submitter. Criteria: Invitae Variant Classification Sherloc (09022015). Collection method: clinical testing. Allele origin: germline.
Comment: This sequence change creates a premature translational stop signal (p.Tyr440*) in the SOX9 gene. While this is not anticipated to result in nonsense mediated decay, it is expected to disrupt the last 70 amino acid(s) of the SOX9 protein. This variant is not present in population databases (gnomAD no frequency). This premature translational stop signal has been observed in individual(s) with campomelic dysplasia (PMID: 8001137, 9002675, 9452058; internal data). In at least one individual the variant was observed to be de novo. ClinVar contains an entry for this variant (Variation ID: 21163). For these reasons, this variant has been classified as Pathogenic.

GeneDx
Classification: Pathogenic. Last evaluated: 2015-12-14. Review status: criteria provided, single submitter. Criteria: GeneDx Variant Classification (06012015). Collection method: clinical testing. Allele origin: germline. Affected: yes.
Comment: The Y440X pathogenic variant in the SOX9 gene has been reported previously as a confirmed or assumed de novo change in individuals with campomelic dysplasia with or without sex reversal (Wagner et al., 1994; Meyer et al., 1997; Hageman et al., 1998; Pop et al., 2005). Y440X was observed in a single patient in the homozygous state, which was though to be due to a mitotic gene conversion event (Pop et al., 2005). This variant is predicted to cause loss of normal protein function throuh protein truncation; however, functional studies show that Y440X allows for some residual activity of the SOX9 protein (Meyer et al., 1997). This variant is predicted to cause loss of normal protein function through protein truncation. The Y440X variant was not observed in approximately 6,500 individuals of European and African American ancestry in the NHLBI Exome Sequencing Project, indicating it is not a common benign variant in these populations. We interpret Y440X as a pathogenic variant.

GeneReviews
No classification provided. Condition: Camptomelic dysplasia. Review status: no classification provided. Collection method: literature only. Allele origin: unknown. Not counted in ClinVar's aggregate classification.

Literature cited by the submitters: PubMed 8001137 (cited by Labcorp Genetics (formerly Invitae), Labcorp); PubMed 9002675 (cited by Labcorp Genetics (formerly Invitae), Labcorp); PubMed 9452058 (cited by Labcorp Genetics (formerly Invitae), Labcorp); PubMed 15806394 (cited by GeneReviews); PubMed 20301724 (cited by GeneReviews); NCBI Bookshelf NBK1760 (cited by GeneReviews).